The following is an entry in ClinVar:

NM_005076.5(CNTN2):c.1976A>T (p.Asn659Ile)

Gene: CNTN2 (contactin 2; plus strand). Cytogenetic location: 1q32.1.
Variant type: single nucleotide variant.
Coding change: c.1976A>T on transcript NM_005076.5 (MANE Select); coding-DNA position 1976, A replaced by T.
Protein change: p.Asn659Ile; replaces asparagine 659 with isoleucine.
Molecular consequence: missense variant. On other transcripts: non-coding transcript variant (1).
Genome position (GRCh38, 1-based): chr1:205,067,101, A>T. VCF-style: chr1-205067101-A-T. GRCh37 (hg19) VCF-style: chr1-205036229-A-T.
Other names: c.1976A>T, p.Asn659Ile (NM_001346083.2); short protein forms N659I.
Identifiers: ClinVar variation 2148456 (VCV002148456.2), dbSNP rs2526400168, ClinGen allele CA344376628.

ClinVar aggregate classification (germline): Uncertain significance (1 of 4 stars; one submission).

Conditions:
Epilepsy, familial adult myoclonic, 5 (EPEO5). Also called: CORTICAL MYOCLONIC TREMOR WITH EPILEPSY, FAMILIAL, 5. Identifiers: Orphanet 86814, MedGen C3809374, MONDO:0014167, OMIM 615400.

Allele frequency attached by ClinVar (database versions not stated): gnomAD exomes below 0.00001.
gnomAD v4.1: 1 of 1,608,166 alleles (0.000062%); highest among the groups gnomAD compares: East Asian, 0.0022%; no homozygotes.

Submission:

Labcorp Genetics (formerly Invitae), Labcorp
Classification: Uncertain significance for Epilepsy, familial adult myoclonic, 5. Last evaluated: 2023-04-19. Review status: criteria provided, single submitter. Criteria: Invitae Variant Classification Sherloc (09022015). Collection method: clinical testing. Allele origin: germline.
Comment: In summary, the available evidence is currently insufficient to determine the role of this variant in disease. Therefore, it has been classified as a Variant of Uncertain Significance. Algorithms developed to predict the effect of sequence changes on RNA splicing suggest that this variant may create or strengthen a splice site. An algorithm developed to predict the effect of missense changes on protein structure and function (PolyPhen-2) suggests that this variant is likely to be disruptive. ClinVar contains an entry for this variant (Variation ID: 2148456). This variant has not been reported in the literature in individuals affected with CNTN2-related conditions. This variant is not present in population databases (gnomAD no frequency). This sequence change replaces asparagine, which is neutral and polar, with isoleucine, which is neutral and non-polar, at codon 659 of the CNTN2 protein (p.Asn659Ile).